The following is an entry in ClinVar:

NM_201525.4(ADGRG1):c.641C>T (p.Ser214Leu)

Gene: ADGRG1 (adhesion G protein-coupled receptor G1; plus strand). Cytogenetic location: 16q21.
Variant type: single nucleotide variant.
Coding change: c.641C>T on transcript NM_201525.4 (MANE Select); coding-DNA position 641, C replaced by T.
Protein change: p.Ser214Leu; replaces serine 214 with leucine.
Molecular consequence: missense variant.
Genome position (GRCh38, 1-based): chr16:57,654,006, C>T. VCF-style: chr16-57654006-C-T. GRCh37 (hg19) VCF-style: chr16-57687918-C-T.
Other names: c.641C>T, p.Ser214Leu (NM_001145770.3, NM_001145771.3, NM_001145772.3 and 16 more transcripts); c.656C>T, p.Ser219Leu (NM_001145773.3, NM_001370433.1); c.131C>T, p.Ser44Leu (NM_001290142.2); c.116C>T, p.Ser39Leu (NM_001290143.2, NM_001290144.2, NM_001370451.1 and 2 more transcripts); c.485C>T, p.Ser162Leu (NM_001370442.1); short protein forms S214L, S39L, S44L, S162L, S219L.
Identifiers: ClinVar variation 265187 (VCV000265187.31), dbSNP rs114515505, ClinGen allele CA8078467.
Genomic context (GRCh38, chr16:57,654,006, plus strand): 5'-CCCCTCCCCACCATCACCACCGCTTTCTCCTCCCTGCCAGGCAGTTGCAGAGCCTGGAGT[C>T]GAAACTGACCTCTGTGAGATTCATGGGGGACATGGTGTCCTTCGAGGAGGACCGGATCAA-3'
Protein context (NP_958933.1, residues 204-224): PASQQLQSLE[Ser214Leu]KLTSVRFMGD

ClinVar aggregate classification (germline): Benign/Likely benign. Review status: criteria provided, multiple submitters, no conflicts (2 of 4 stars). 7 submissions from 7 submitters: Benign (3); Likely benign (3). 1 of the submissions does not count toward it. Last evaluated 2026-01-31.

Conditions:
Bilateral frontoparietal polymicrogyria. Also called: CORTICAL DYSPLASIA, COMPLEX, WITH OTHER BRAIN MALFORMATIONS 14A (BILATERAL FRONTOPARIETAL); CEREBELLAR ATAXIA WITH NEURONAL MIGRATION DEFECT. Identifiers: Orphanet 101070, MedGen C1847352, MONDO:0011738, OMIM 606854.

Allele frequency attached by ClinVar (database versions not stated): TOPMed 0.00310; 1000 Genomes Project 0.00319; ESP Exome Variant Server 0.00354; 1000 Genomes Project 30x 0.00359.
gnomAD v4.1: 983 of 1,614,066 alleles (0.061%); highest among the groups gnomAD compares: African/African-American, 1.2%; 10 homozygotes.

Submissions (7):

Labcorp Genetics (formerly Invitae), Labcorp
Classification: Benign. Last evaluated: 2026-01-31. Review status: criteria provided, single submitter. Criteria: Invitae Variant Classification Sherloc (09022015). Collection method: clinical testing. Allele origin: germline.

Blueprint Genetics
Classification: Likely benign. Last evaluated: 2024-07-06. Review status: criteria provided, single submitter. Criteria: ACMG Guidelines, 2015. Collection method: clinical testing. Allele origin: germline.

GeneDx
Classification: Benign. Last evaluated: 2020-02-06. Review status: criteria provided, single submitter. Criteria: GeneDx Variant Classification Process June 2021. Collection method: clinical testing. Allele origin: germline. Affected: yes.

Illumina Laboratory Services, Illumina
Classification: Benign for Bilateral frontoparietal polymicrogyria. Last evaluated: 2018-01-13. Review status: criteria provided, single submitter. Criteria: ICSL Variant Classification Criteria 13 December 2019. Collection method: clinical testing. Allele origin: germline.
Comment: This variant was observed in the ICSL laboratory as part of a predisposition screen in an ostensibly healthy population. It had not been previously curated by ICSL or reported in the Human Gene Mutation Database (HGMD: prior to June 1st, 2018), and was therefore a candidate for classification through an automated scoring system. Utilizing variant allele frequency, disease prevalence and penetrance estimates, and inheritance mode, an automated score was calculated to assess if this variant is too frequent to cause the disease. Based on the score and internal cut-off values, a variant classified as benign is not then subjected to further curation. The score for this variant resulted in a classification of benign for this disease.

Athena Diagnostics
Classification: Likely benign. Last evaluated: 2017-11-22. Review status: criteria provided, single submitter. Criteria: Athena Diagnostics Criteria. Collection method: clinical testing. Allele origin: germline.

Breakthrough Genomics
Classification: Likely benign. Review status: criteria provided, single submitter. Criteria: ACMG Guidelines, 2015. Collection method: not provided. Allele origin: germline. Inheritance: Autosomal recessive inheritance. Affected: yes.

Natera, Inc.
Classification: Benign for Bilateral frontoparietal polymicrogyria. Last evaluated: 2019-10-18. Review status: no assertion criteria provided. Collection method: clinical testing. Allele origin: germline. Not counted in ClinVar's aggregate classification.